The following is an entry in ClinVar:

NM_002439.5(MSH3):c.823C>A (p.His275Asn)

Gene: MSH3 (mutS homolog 3; plus strand). Cytogenetic location: 5q14.1.
Variant type: single nucleotide variant.
Coding change: c.823C>A on transcript NM_002439.5 (MANE Select); coding-DNA position 823, C replaced by A.
Protein change: p.His275Asn; replaces histidine 275 with asparagine.
Molecular consequence: missense variant.
Genome position (GRCh38, 1-based): chr5:80,672,274, C>A. VCF-style: chr5-80672274-C-A. GRCh37 (hg19) VCF-style: chr5-79968093-C-A.
Other names: short protein forms H275N.
Identifiers: ClinVar variation 2562144 (VCV002562144.3), dbSNP rs922169592, ClinGen allele CA360267111.
Genomic context (GRCh38, chr5:80,672,274, plus strand): 5'-TTATTGATATTTTCTTTTTTCATTTTTTAGATTGCAGCCCGAGAGCTCAATATTTATTGC[C>A]ATTTAGATCACAACTTTATGACAGCAAGTATACCTACTCACAGACTGTTTGTTCATGTAC-3'
Protein context (NP_002430.3, residues 265-285): IAARELNIYC[His275Asn]LDHNFMTASI

ClinVar aggregate classification (germline): Uncertain significance (1 of 4 stars; one submission).

Conditions:
Hereditary cancer-predisposing syndrome. Also called: Neoplastic Syndromes, Hereditary; Hereditary Cancer Syndrome; Hereditary neoplastic syndrome; Tumor predisposition. Identifiers: Orphanet 140162, MedGen C0027672, MeSH D009386, MONDO:0015356.

Submission:

Ambry Genetics
Classification: Uncertain significance for Hereditary cancer-predisposing syndrome. Last evaluated: 2025-05-06. Review status: criteria provided, single submitter. Criteria: Ambry Variant Classification Scheme 2023. Collection method: clinical testing. Allele origin: germline.
Comment: The p.H275N variant (also known as c.823C>A), located in coding exon 5 of the MSH3 gene, results from a C to A substitution at nucleotide position 823. The histidine at codon 275 is replaced by asparagine, an amino acid with similar properties. This amino acid position is conserved. In addition, the in silico prediction for this alteration is inconclusive. Since supporting evidence is limited at this time, the clinical significance of this alteration remains unclear.